The following is an entry in ClinVar:

ClinVar aggregate classification (germline): Likely benign. Review status: criteria provided, multiple submitters, no conflicts (2 of 4 stars). 4 submissions from 4 submitters: Likely benign (4). Last evaluated 2025-04-14.

Conditions:
Hereditary cancer-predisposing syndrome. Also called: Tumor predisposition; Hereditary neoplastic syndrome; Neoplastic Syndromes, Hereditary; Hereditary Cancer Syndrome. Identifiers: Orphanet 140162, MedGen C0027672, MeSH D009386, MONDO:0015356.
Hereditary breast ovarian cancer syndrome. Also called: Hereditary breast and ovarian cancer syndrome (HBOC); Hereditary breast and ovarian cancer; Hereditary breast and ovarian cancer syndrome; Breast and ovarian cancer; BRCA1- and BRCA2-Associated Hereditary Breast and Ovarian Cancer; Hereditary breast and/or ovarian cancer syndrome. Identifiers: Orphanet 145, MedGen C0677776, MeSH D061325, MONDO:0003582. Disease mechanism: loss of function.

Allele frequency attached by ClinVar (database versions not stated): gnomAD exomes below 0.00001 and 0.00001.
gnomAD v4.1: 3 of 1,614,086 alleles (0.00019%); highest among the groups gnomAD compares: Non-Finnish European, 0.00025%; no homozygotes.

Submissions (4):

Color Diagnostics, LLC DBA Color Health
Classification: Likely benign for Hereditary cancer-predisposing syndrome. Last evaluated: 2025-04-14. Review status: criteria provided, single submitter. Criteria: ACMG Guidelines, 2015. Collection method: clinical testing. Allele origin: germline.

Ambry Genetics
Classification: Likely benign for Hereditary cancer-predisposing syndrome. Last evaluated: 2023-09-06. Review status: criteria provided, single submitter. Criteria: Ambry Variant Classification Scheme 2023. Collection method: clinical testing. Allele origin: germline.

Labcorp Genetics (formerly Invitae), Labcorp
Classification: Likely benign for Hereditary breast ovarian cancer syndrome. Last evaluated: 2023-03-24. Review status: criteria provided, single submitter. Criteria: Invitae Variant Classification Sherloc (09022015). Collection method: clinical testing. Allele origin: germline.

GeneDx
Classification: Likely benign. Last evaluated: 2021-02-03. Review status: criteria provided, single submitter. Criteria: GeneDx Variant Classification Process June 2021. Collection method: clinical testing. Allele origin: germline. Affected: yes.
Comment: This variant is associated with the following publications: (PMID: 25186949)

NM_000059.4(BRCA2):c.7197A>G (p.Thr2399=)

Gene: BRCA2 (BRCA2 DNA repair associated; plus strand). Cytogenetic location: 13q13.1.
Variant type: single nucleotide variant.
Coding change: c.7197A>G on transcript NM_000059.4 (MANE Select); coding-DNA position 7197, A replaced by G.
Protein change: p.Thr2399=; no amino-acid change (threonine 2399 retained).
Molecular consequence: synonymous variant.
Genome position (GRCh38, 1-based): chr13:32,355,050, A>G. VCF-style: chr13-32355050-A-G. GRCh37 (hg19) VCF-style: chr13-32929187-A-G.
Identifiers: ClinVar variation 516985 (VCV000516985.13), dbSNP rs1555286035, ClinGen allele CA483439703.